The following is an entry in ClinVar:

NM_005619.5(RTN2):c.1258G>A (p.Asp420Asn)

Genes: OPA3-RTN2 (OPA3-RTN2 readthrough; minus strand), RTN2 (reticulon 2; minus strand). Cytogenetic location: 19q13.32.
Variant type: single nucleotide variant.
Coding change: c.1258G>A on transcript NM_005619.5 (MANE Select); coding-DNA position 1258, G replaced by A.
Protein change: p.Asp420Asn; replaces aspartic acid 420 with asparagine.
Molecular consequence: missense variant.
Genome position (GRCh38, 1-based): chr19:45,488,970, C>T on the plus strand (G>A on the coding strand, the complement: RTN2 is on the minus strand). VCF-style: chr19-45488970-C-T. GRCh37 (hg19) VCF-style: chr19-45992228-C-T.
Other names: c.1039G>A, p.Asp347Asn (NM_206900.3); c.238G>A, p.Asp80Asn (NM_206901.3); short protein forms D347N, D420N, D80N.
Identifiers: ClinVar variation 3363773 (VCV003363773.1).

ClinVar aggregate classification (germline): Uncertain significance (1 of 4 stars; one submission).

Submission:

GeneDx
Classification: Uncertain significance. Last evaluated: 2023-11-06. Review status: criteria provided, single submitter. Criteria: GeneDx Variant Classification Process June 2021. Collection method: clinical testing. Allele origin: germline. Affected: yes.
Comment: In silico analysis supports that this missense variant has a deleterious effect on protein structure/function; Has not been previously published as pathogenic or benign to our knowledge